The following is an entry in ClinVar:

ClinVar aggregate classification (germline): Uncertain significance. Review status: criteria provided, multiple submitters, no conflicts (2 of 4 stars). 2 submissions from 2 submitters: Uncertain significance (2). Last evaluated 2026-03-24.

Conditions:
Cardiovascular phenotype. Identifiers: MedGen CN230736.
Alstrom syndrome (ALMS). Identifiers: Orphanet 64, MedGen C0268425, MONDO:0008763, OMIM 203800.

Allele frequency attached by ClinVar (database versions not stated): gnomAD 0.00001.
gnomAD v4.1: 2 of 1,614,044 alleles (0.00012%); highest among the groups gnomAD compares: Middle Eastern, 0.016%; no homozygotes.

Submissions (2):

Ambry Genetics
Classification: Uncertain significance for Cardiovascular phenotype. Last evaluated: 2026-03-24. Review status: criteria provided, single submitter. Criteria: Ambry Variant Classification Scheme 2023. Collection method: clinical testing. Allele origin: germline.
Comment: The p.I4063T variant (also known as c.12188T>C), located in coding exon 20 of the ALMS1 gene, results from a T to C substitution at nucleotide position 12188. The isoleucine at codon 4063 is replaced by threonine, an amino acid with similar properties. This amino acid position is well conserved in available vertebrate species. In addition, the in silico prediction for this alteration is inconclusive. Based on the available evidence, the clinical significance of this variant remains unclear.

Labcorp Genetics (formerly Invitae), Labcorp
Classification: Uncertain significance for Alstrom syndrome. Last evaluated: 2021-06-21. Review status: criteria provided, single submitter. Criteria: Invitae Variant Classification Sherloc (09022015). Collection method: clinical testing. Allele origin: germline.
Comment: This sequence change replaces isoleucine with threonine at codon 4063 of the ALMS1 protein (p.Ile4063Thr). The isoleucine residue is moderately conserved and there is a moderate physicochemical difference between isoleucine and threonine. This variant is not present in population databases (ExAC no frequency). This variant has not been reported in the literature in individuals with ALMS1-related conditions. Experimental studies and prediction algorithms are not available or were not evaluated, and the functional significance of this variant is currently unknown. In summary, the available evidence is currently insufficient to determine the role of this variant in disease. Therefore, it has been classified as a Variant of Uncertain Significance.

NM_001378454.1(ALMS1):c.12185T>C (p.Ile4062Thr)

Genes: ALMS1 (ALMS1 centrosome and basal body associated protein; plus strand), LOC126806252 (BRD4-independent group 4 enhancer GRCh37_chr2:73828496-73829695; plus strand). Cytogenetic location: 2p13.1.
Variant type: single nucleotide variant.
Coding change: c.12185T>C on transcript NM_001378454.1 (MANE Select); coding-DNA position 12185, T replaced by C.
Protein change: p.Ile4062Thr; replaces isoleucine 4062 with threonine.
Molecular consequence: missense variant.
Genome position (GRCh38, 1-based): chr2:73,602,255, T>C. VCF-style: chr2-73602255-T-C. GRCh37 (hg19) VCF-style: chr2-73829382-T-C.
Other names: c.12188T>C, p.Ile4063Thr (NM_015120.4); short protein forms I4062T, I4063T.
Identifiers: ClinVar variation 2199356 (VCV002199356.2), dbSNP rs1379683689, ClinGen allele CA347268009.